The following is an entry in ClinVar:

NM_172362.3(KCNH1):c.613A>T (p.Thr205Ser)

Gene: KCNH1 (potassium voltage-gated channel subfamily H member 1; minus strand). Cytogenetic location: 1q32.2.
Variant type: single nucleotide variant.
Coding change: c.613A>T on transcript NM_172362.3 (MANE Select); coding-DNA position 613, A replaced by T.
Protein change: p.Thr205Ser; replaces threonine 205 with serine.
Molecular consequence: missense variant.
Genome position (GRCh38, 1-based): chr1:211,019,202, T>A on the plus strand (A>T on the coding strand, the complement: KCNH1 is on the minus strand). VCF-style: chr1-211019202-T-A. GRCh37 (hg19) VCF-style: chr1-211192544-T-A.
Other names: c.613A>T, p.Thr205Ser (NM_002238.4); short protein forms T205S.
Identifiers: ClinVar variation 4800018 (VCV004800018.1).

ClinVar aggregate classification (germline): Uncertain significance (1 of 4 stars; one submission).

gnomAD v4.1: 3 of 1,612,782 alleles (0.00019%); no homozygotes.

Submission:

Labcorp Genetics (formerly Invitae), Labcorp
Classification: Uncertain significance. Last evaluated: 2025-09-23. Review status: criteria provided, single submitter. Criteria: Invitae Variant Classification Sherloc (09022015). Collection method: clinical testing. Allele origin: germline.
Comment: This sequence change replaces threonine, which is neutral and polar, with serine, which is neutral and polar, at codon 205 of the KCNH1 protein (p.Thr205Ser). This variant is not present in population databases (gnomAD no frequency). This variant has not been reported in the literature in individuals affected with KCNH1-related conditions. Invitae Evidence Modeling of protein sequence and biophysical properties (such as structural, functional, and spatial information, amino acid conservation, physicochemical variation, residue mobility, and thermodynamic stability) has been performed for this missense variant. However, the output from this modeling did not meet the statistical confidence thresholds required to predict the impact of this variant on KCNH1 protein function. In summary, the available evidence is currently insufficient to determine the role of this variant in disease. Therefore, it has been classified as a Variant of Uncertain Significance.